The following is an entry in ClinVar:

ClinVar aggregate classification (germline): Uncertain significance. Review status: criteria provided, multiple submitters, no conflicts (2 of 4 stars). 3 submissions from 3 submitters: Uncertain significance (3). Last evaluated 2025-03-29.

Conditions:
Hereditary cancer-predisposing syndrome. Also called: Tumor predisposition; Neoplastic Syndromes, Hereditary; Hereditary Cancer Syndrome; Hereditary neoplastic syndrome. Identifiers: Orphanet 140162, MedGen C0027672, MeSH D009386, MONDO:0015356.
Ataxia-telangiectasia syndrome (AT). Also called: ATAXIA-TELANGIECTASIA, COMPLEMENTATION GROUP A; ATAXIA-TELANGIECTASIA, FRESNO VARIANT; Ataxia-telangiectasia; Ataxia-telangiectasia, complementation group D; AT, COMPLEMENTATION GROUP C; Ataxia-telangiectasia, complementation group E. Identifiers: Orphanet 100, MedGen C0004135, MONDO:0008840, OMIM 208900.

Allele frequency attached by ClinVar (database versions not stated): gnomAD exomes below 0.00001.
gnomAD v4.1: 1 of 1,613,960 alleles (0.000062%); highest among the groups gnomAD compares: Non-Finnish European, 0.000085%; no homozygotes.

Submissions (3):

Ambry Genetics
Classification: Uncertain significance for Hereditary cancer-predisposing syndrome. Last evaluated: 2025-03-29. Review status: criteria provided, single submitter. Criteria: Ambry Variant Classification Scheme 2023. Collection method: clinical testing. Allele origin: germline.
Comment: The c.8151+5G>C intronic variant results from a G to C substitution 5 nucleotides after coding exon 54 in the ATM gene. This nucleotide position is highly conserved in available vertebrate species. In silico splice site analysis for this alteration is inconclusive; however, direct evidence is insufficient at this time (Ambry internal data). Since supporting evidence is limited at this time, the clinical significance of this alteration remains unclear.

Labcorp Genetics (formerly Invitae), Labcorp
Classification: Uncertain significance for Ataxia-telangiectasia syndrome. Last evaluated: 2024-03-14. Review status: criteria provided, single submitter. Criteria: Invitae Variant Classification Sherloc (09022015). Collection method: clinical testing. Allele origin: germline.
Comment: This sequence change falls in intron 55 of the ATM gene. It does not directly change the encoded amino acid sequence of the ATM protein. It affects a nucleotide within the consensus splice site. This variant is not present in population databases (gnomAD no frequency). This variant has not been reported in the literature in individuals affected with ATM-related conditions. ClinVar contains an entry for this variant (Variation ID: 858216). Variants that disrupt the consensus splice site are a relatively common cause of aberrant splicing (PMID: 17576681, 9536098). Algorithms developed to predict the effect of sequence changes on RNA splicing suggest that this variant may disrupt the consensus splice site. In summary, the available evidence is currently insufficient to determine the role of this variant in disease. Therefore, it has been classified as a Variant of Uncertain Significance.

Color Diagnostics, LLC DBA Color Health
Classification: Uncertain significance for Hereditary cancer-predisposing syndrome. Last evaluated: 2021-01-20. Review status: criteria provided, single submitter. Criteria: ACMG Guidelines, 2015. Collection method: clinical testing. Allele origin: germline.
Comment: This variant causes a G to C nucleotide substitution at the +5 position of intron 55 of the ATM gene. Splice site prediction tools predict that this variant may have a significant impact on RNA splicing, although this prediction has not been confirmed in published RNA studies. To our knowledge, this variant has not been reported in individuals affected with hereditary cancer in the literature. This variant has not been identified in the general population by the Genome Aggregation Database (gnomAD). The available evidence is insufficient to determine the role of this variant in disease conclusively. Therefore, this variant is classified as a Variant of Uncertain Significance.

Literature cited by the submitters: PubMed 17576681 (cited by Labcorp Genetics (formerly Invitae), Labcorp); PubMed 9536098 (cited by Labcorp Genetics (formerly Invitae), Labcorp).

NM_000051.4(ATM):c.8151+5G>C

Genes: ATM (ATM serine/threonine kinase; plus strand), C11orf65 (chromosome 11 open reading frame 65; minus strand). Cytogenetic location: 11q22.3.
Variant type: single nucleotide variant.
Coding change: c.8151+5G>C on transcript NM_000051.4 (MANE Select); 5 bases into the intron after coding-DNA position 8151, G replaced by C.
Molecular consequence: intron variant.
Genome position (GRCh38, 1-based): chr11:108,335,114, G>C. VCF-style: chr11-108335114-G-C. GRCh37 (hg19) VCF-style: chr11-108205841-G-C.
Other names: c.8151+5G>C (NM_001351834.2); c.641-26043C>G (NM_001330368.2); c.*38+106C>G (NM_001351110.2).
Identifiers: ClinVar variation 858216 (VCV000858216.14), dbSNP rs1555127370, ClinGen allele CA913188378.
Genomic context (GRCh38, chr11:108,335,114, plus strand): 5'-CAAAAATAATAGATTGTGTAGGTTCCGATGGCAAGGAGAGGAGACAGCTTGTTAAGGTGA[G>C]CCTTCCCTTCTCTGGCTTAGCCCTTAGAGTTTTAGTGATGAAAATTTTTAGTTCATATTT-3'